The following is an entry in ClinVar:

NM_000037.4(ANK1):c.3763C>T (p.Arg1255Cys)

Gene: ANK1 (ankyrin 1; minus strand). Cytogenetic location: 8p11.21.
Variant type: single nucleotide variant.
Coding change: c.3763C>T on transcript NM_000037.4 (MANE Select); coding-DNA position 3763, C replaced by T.
Protein change: p.Arg1255Cys; replaces arginine 1255 with cysteine.
Molecular consequence: missense variant.
Genome position (GRCh38, 1-based): chr8:41,692,743, G>A on the plus strand (C>T on the coding strand, the complement: ANK1 is on the minus strand). VCF-style: chr8-41692743-G-A. GRCh37 (hg19) VCF-style: chr8-41550261-G-A.
Other names: c.3886C>T, p.Arg1296Cys (NM_001142446.2); c.3763C>T, p.Arg1255Cys (NM_020475.3, NM_020476.3, NM_020477.3); short protein forms R1255C, R1296C.
Identifiers: ClinVar variation 2439075 (VCV002439075.19), dbSNP rs148275567, ClinGen allele CA4727784.

ClinVar aggregate classification (germline): Conflicting classifications of pathogenicity. Review status: criteria provided, conflicting classifications (1 of 4 stars). 4 submissions from 4 submitters: Uncertain significance (3); Likely benign (1). Last evaluated 2025-05-26.

Conditions:
Hereditary spherocytosis type 1. Also called: Spherocytosis type 1; ANK1-Related Spherocytosis. Identifiers: Orphanet 822, MedGen C2674218, MONDO:0008447, OMIM 182900.

Allele frequency attached by ClinVar (database versions not stated): TOPMed 0.00012; 1000 Genomes Project 30x 0.00016; gnomAD 0.00017; 1000 Genomes Project 0.00020; ExAC 0.00026; gnomAD exomes 0.00033; ESP Exome Variant Server 0.00038.
gnomAD v4.1: 498 of 1,614,010 alleles (0.031%); highest among the groups gnomAD compares: Non-Finnish European, 0.032%; no homozygotes.

Submissions (4):

Revvity Omics, Revvity
Classification: Uncertain significance for Hereditary spherocytosis type 1. Last evaluated: 2025-05-26. Review status: criteria provided, single submitter. Criteria: ACMG Guidelines, 2015. Collection method: clinical testing. Allele origin: germline.

CeGaT Center for Human Genetics Tuebingen
Classification: Uncertain significance. Last evaluated: 2024-10-01. Review status: criteria provided, single submitter. Criteria: CeGaT Center For Human Genetics Tuebingen Variant Classification Criteria Version 2. Collection method: clinical testing. Allele origin: germline. Affected: yes. Observed: 1 variant allele.
Comment: ANK1: PM2, BP1

Blueprint Genetics
Classification: Uncertain significance. Last evaluated: 2024-08-13. Review status: criteria provided, single submitter. Criteria: ACMG Guidelines, 2015. Collection method: clinical testing. Allele origin: germline.

ARUP Laboratories, Molecular Genetics and Genomics, ARUP Laboratories
Classification: Likely benign for Hereditary spherocytosis type 1. Last evaluated: 2024-01-05. Review status: criteria provided, single submitter. Criteria: ARUP Molecular Germline Variant Investigation Process 2024. Collection method: clinical testing. Allele origin: germline.